The following is an entry in ClinVar:

NM_000195.5(HPS1):c.1472_1487dup (p.His497fs)

Gene: HPS1 (HPS1 biogenesis of lysosomal organelles complex 3 subunit 1; minus strand). Cytogenetic location: 10q24.2.
Variant type: Duplication.
Coding change: c.1472_1487dup on transcript NM_000195.5 (MANE Select); coding-DNA positions 1472 to 1487, 16 bases duplicated (CCAGCAGGGGAGGCCC).
Protein change: p.His497fs; shifts the reading frame from histidine 497.
Molecular consequence: frameshift variant.
Genome position (GRCh38, 1-based): chr10:98,423,798-98,423,813, GGGCCTCCCCTGCTGG duplicated on the plus strand (CCAGCAGGGGAGGCCC on the coding strand, the reverse complement: HPS1 is on the minus strand); duplicating any 16 consecutive bases within chr10:98,423,798-98,423,817 gives the same sequence; the c. name uses the placement nearest the transcript's 3' end. VCF-style (leftmost placement, unchanged base first): chr10-98423797-T-TGGGCCTCCCCTGCTGG. GRCh37 (hg19) VCF-style: chr10-100183554-T-TGGGCCTCCCCTGCTGG.
Other names: p.His497GlnfsX90; NM_000195.5(HPS1):c.1472_1487dup; p.His497fs; p.His497Glnfs*90; c.1472_1487dupCCAGCAGGGGAGGCCC (NM_000195.5, NM_000195.3, NM_000195.4); c.500_515dup, p.His173fs (NM_001311345.2, NM_001322487.2, NM_001322489.2); c.1472_1487dup, p.His497fs (NM_001322476.2, NM_001322477.2); c.1373_1388dup, p.His464fs (NM_001322478.2, NM_001322479.2); and 5 more; short protein forms H341fs, H374fs, H377fs, H410fs, H464fs, H173fs, H497fs.
Identifiers: ClinVar variation 5277 (VCV000005277.49), dbSNP rs281865163, ClinGen allele CA340383.

ClinVar aggregate classification (germline): Pathogenic. Review status: criteria provided, multiple submitters, no conflicts (2 of 4 stars). 19 submissions from 18 submitters: Pathogenic (16). 3 of the submissions do not count toward it. Last evaluated 2026-07-08.

Conditions:
HPS1-related disorders.
HPS1-related disorder. Also called: HPS1-related condition.
Inborn genetic diseases. Identifiers: MedGen C0950123, MeSH D030342.
Hermansky-Pudlak syndrome (HPS). Also called: ALBINISM WITH HEMORRHAGIC DIATHESIS AND PIGMENTED RETICULOENDOTHELIAL CELLS. Identifiers: Orphanet 79430, MedGen C0079504, MONDO:0019312.
Hermansky-Pudlak syndrome 1 (HPS1). Also called: DELTA STORAGE POOL DISEASE. Identifiers: Orphanet 231500, Orphanet 79430, MedGen C2931875, MONDO:0008748, OMIM 203300.

Submissions (19):

PreventionGenetics, part of Exact Sciences
Classification: Pathogenic for HPS1-related condition. Last evaluated: 2026-07-08. Review status: criteria provided, single submitter. Criteria: ACMG Guidelines, 2015. Collection method: clinical testing. Allele origin: germline.
Comment: The HPS1 c.1472_1487dup16 variant is predicted to result in a frameshift and premature protein termination (p.His497Glnfs*90). This variant has been reported in the homozygous or compound heterozygous states in individuals with Hermansky-Pudlak syndrome (See for examples, Oh et al. 1996. PubMed ID: 8896559; Carmona-Rivera et al. 2011. PubMed ID: 20662851; Gahl et al. 1998. PubMed ID: 9562579). This variant is reported in 0.020% of alleles in individuals of Latino descent in gnomAD. Frameshift variants in HPS1 are expected to be pathogenic. This variant is interpreted as pathogenic.

Broad Center for Mendelian Genomics, Broad Institute of MIT and Harvard
Classification: Pathogenic for Hermansky-Pudlak syndrome 1. Last evaluated: 2026-03-05. Review status: criteria provided, single submitter. Criteria: ACMG Guidelines, 2015. Collection method: research. Allele origin: germline. Inheritance: Autosomal recessive inheritance. Study: GREGoR Consortium.
Comment: The p.His497GlnfsX90 variant in HPS1 has been reported in the homozygous or compound heterozygous state in >10 individuals with Hermansky-Pudlak syndrome (Oh 1996 PMID: 8896559; Carmona-Rivera 2010 PMID: 20662851; PM3_very-strong). It has also been identified in 0.02% (7/35412) of Latino/Admixed American chromosomes by gnomAD. This variant has also been reported in ClinVar (Variation ID 5277). This variant is predicted to cause a frameshift, which alters the protein’s amino acid sequence beginning at position 497 and leads to a premature termination codon 90 amino acids downstream (PVS1). This alteration is then predicted to lead to a truncated or absent protein. Loss of function of the HPS1 gene is an established disease mechanism in Hermansky-Pudlak syndrome. In summary, this variant meets criteria to be classified as pathogenic for autosomal recessive Hermansky-Pudlak syndrome. ACMG/AMP Criteria applied: PVS1, PM3_very-strong.

Labcorp Genetics (formerly Invitae), Labcorp
Classification: Pathogenic. Last evaluated: 2026-01-20. Review status: criteria provided, single submitter. Criteria: Invitae Variant Classification Sherloc (09022015). Collection method: clinical testing. Allele origin: germline.
Comment: This sequence change creates a premature translational stop signal (p.His497Glnfs*90) in the HPS1 gene. It is expected to result in an absent or disrupted protein product. Loss-of-function variants in HPS1 are known to be pathogenic (PMID: 12442288, 16185271). This variant is present in population databases (rs281865163, gnomAD 0.02%). This premature translational stop signal has been observed in individuals with Hermansky-Pudlak syndrome (PMID: 8896559, 9562579, 20662851). It is commonly reported in individuals of Puerto Rican ancestry (PMID: 8896559, 9562579, 20662851). ClinVar contains an entry for this variant (Variation ID: 5277). For these reasons, this variant has been classified as Pathogenic.

Natera, Inc.
Classification: Pathogenic for Hermansky-Pudlak syndrome. Last evaluated: 2026-01-20. Review status: criteria provided, single submitter. Criteria: Natera Variant Classification Schema (03/2026). Collection method: clinical testing. Allele origin: germline.
Comment: The c.1472_1487dupCCAGCAGGGGAGGCCC variant in HPS1 is a frameshift variant predicted to shift the reading frame beginning at codon 497 and leads to a stop codon 90 codons downstream. This variant is expected to result in nonsense mediated decay, truncation, or a dysfunctional protein product. This variant is rare in the general population with a frequency below the threshold expected for the associated phenotype(s). This variant has been observed in one or more individuals affected with the associated recessive disease, as either homozygous or compound heterozygous with a second variant (PMID: 20662851). Additionally, this variant has been observed to segregate in affected family members (PMID: 20662851). Given the available evidence, this variant is classified as Pathogenic.

Mayo Clinic Laboratories, Mayo Clinic
Classification: Pathogenic. Last evaluated: 2024-07-16. Review status: criteria provided, single submitter. Criteria: ACMG Guidelines, 2015. Collection method: clinical testing. Allele origin: germline. Observed: 4 variant alleles.
Comment: PM3_strong, PS4_moderate, PVS1

Fulgent Genetics
Classification: Pathogenic for Hermansky-Pudlak syndrome 1. Last evaluated: 2024-03-29. Review status: criteria provided, single submitter. Criteria: ACMG Guidelines, 2015. Collection method: clinical testing. Allele origin: germline.

Baylor Genetics
Classification: Pathogenic for Hermansky-Pudlak syndrome 1. Last evaluated: 2024-03-28. Review status: criteria provided, single submitter. Criteria: ACMG Guidelines, 2015. Collection method: clinical testing. Allele origin: unknown.

Laboratory for Molecular Medicine, Mass General Brigham Personalized Medicine
Classification: Pathogenic for Hermansky-Pudlak syndrome. Last evaluated: 2023-12-21. Review status: criteria provided, single submitter. Criteria: ACMG Guidelines, 2015. Collection method: clinical testing. Allele origin: germline. Inheritance: Autosomal recessive inheritance.
Comment: The p.His497GlnfsX90 variant in HPS1 has been reported in the homozygous or compound heterozygous state in >20 individuals with Hermansky-Pudlak syndrome and has been described as founder variant in Puerto Rican population (Oh 1996 PMID: 8896559, Carmona-Rivera 2010 PMID: 20662851). It has been identified in 0.02% (7/35412) of Latino/Admixed American chromosomes by gnomAD. This variant has also been reported in ClinVar (Variation ID 5277). This variant is predicted to cause a frameshift, which alters the protein’s amino acid sequence beginning at position 497 and leads to a premature termination codon 90 amino acids downstream. This alteration is then predicted to lead to a truncated or absent protein. Loss of function of the HPS1 gene is an established disease mechanism in Hermansky-Pudlak syndrome. In summary, this variant meets criteria to be classified as pathogenic for autosomal recessive Hermansky-Pudlak syndrome. ACMG/AMP Criteria applied: PVS1, PM3_VeryStrong.

Blueprint Genetics
Classification: Pathogenic for HPS1-related disorders. Last evaluated: 2022-06-29. Review status: criteria provided, single submitter. Criteria: ACMG Guidelines, 2015. Collection method: clinical testing. Allele origin: germline. Affected: yes. Observed: 5 variant alleles.

Broad Center for Mendelian Genomics, Broad Institute of MIT and Harvard
Classification: Pathogenic for Hermansky-Pudlak syndrome. Last evaluated: 2021-11-29. Review status: criteria provided, single submitter. Criteria: ACMG Guidelines, 2015. Collection method: curation. Allele origin: germline. Inheritance: Autosomal recessive inheritance.
Comment: The p.His497fs variant in HPS1 has been reported in more than 10 individuals with Hermansky-Pudlak syndrome (PMID: 8896559, 20662851, 12442288, 9562579, 9497254) and has been identified in 0.03% (7/35412) of Latino/Admixed American chromosomes by the Genome Aggregation Database (gnomAD; dbSNP ID: rs281865163). Although this variant has been seen in the general population in a heterozygous state, its frequency is not high enough to rule out a pathogenic role. This variant has also been reported in ClinVar (Variation ID#: 5277) and has been interpreted as Pathogenic by GeneReviews, Genetic Services Laboratory (University of Chicago), Clinical Molecular Genetics Laboratory (Johns Hopkins All Children's Hospital), Laboratory for Molecular Medicine (Partners HealthCare Personalized Medicine), Ambry Genetics, Invitae, EGL Genetic Diagnostics (Eurofins Clinical Diagnostics), GeneDx, OMIM, and Natera, Inc. In vitro functional studies provide some evidence that the p.His497fs variant may slightly impact protein function (PMID: 9345105). However, these types of assays may not accurately represent biological function. This variant is predicted to cause a frameshift, which alters the protein’s amino acid sequence beginning at position 497 and leads to a premature termination codon 90 amino acids downstream. This alteration is then predicted to lead to a truncated or absent protein. Loss of function of the HPS1 gene is an established disease mechanism in autosomal recessive Hermansky-Pudlak syndrome. In summary, this variant meets criteria to be classified as pathogenic for autosomal recessive Hermansky-Pudlak syndrome. ACMG/AMP Criteria applied: PM3, PS3_moderate, PVS1 (Richards 2015).

GeneDx
Classification: Pathogenic. Last evaluated: 2020-04-02. Review status: criteria provided, single submitter. Criteria: GeneDx Variant Classification Process June 2021. Collection method: clinical testing. Allele origin: germline. Affected: yes.
Comment: Frameshift variant that results in nonsense mediated mRNA decay (Hazelwood et al., 1997) in a gene for which loss-of-function is a known mechanism of disease; This variant is associated with the following publications: (PMID: 29445374, 8896559, 9345105, 30055995, 20662851, 9562579, 31898847)

Revvity Omics, Revvity
Classification: Pathogenic for Hermansky-Pudlak syndrome 1. Last evaluated: 2019-09-28. Review status: criteria provided, single submitter. Criteria: ACMG Guidelines, 2015. Collection method: clinical testing. Allele origin: germline.

Clinical Molecular Genetics Laboratory, Johns Hopkins All Children's Hospital
Classification: Pathogenic for Hermansky-Pudlak syndrome 1. Last evaluated: 2018-10-19. Review status: criteria provided, single submitter. Criteria: ACMG Guidelines, 2015. Collection method: clinical testing. Allele origin: germline. Inheritance: Autosomal recessive inheritance. Affected: yes. Observed: 1 homozygote.

Ambry Genetics
Classification: Pathogenic for Inborn genetic diseases. Last evaluated: 2018-04-23. Review status: criteria provided, single submitter. Criteria: Ambry exome assertion method (8-5-2015). Collection method: clinical testing. Allele origin: germline. Affected: yes. Observed: 1 variant allele.

Eurofins Ntd Llc (ga)
Classification: Pathogenic. Last evaluated: 2016-09-21. Review status: criteria provided, single submitter. Criteria: EGL Classification Definitions. Collection method: clinical testing. Allele origin: germline. Observed: 1 variant allele, 1 homozygote.

Genetic Services Laboratory, University of Chicago
Classification: Pathogenic for Hermansky-Pudlak syndrome 1. Last evaluated: 2015-10-14. Review status: criteria provided, single submitter. Criteria: ACMG Guidelines, 2015. Collection method: clinical testing. Allele origin: germline. Affected: yes.

OMIM
Classification: Pathogenic for HERMANSKY-PUDLAK SYNDROME 1. Last evaluated: 1998-04-30. Review status: no assertion criteria provided. Collection method: literature only. Allele origin: germline. Not counted in ClinVar's aggregate classification.

GeneReviews
No classification provided. Condition: Hermansky-Pudlak syndrome 1. Review status: no classification provided. Collection method: literature only. Allele origin: germline. Not counted in ClinVar's aggregate classification.

Genomics And Bioinformatics Analysis Resource, Columbia University
Classification: Pathogenic for Hermansky-Pudlak syndrome 1. Review status: no assertion criteria provided. Collection method: research. Allele origin: unknown. Affected: yes. Not counted in ClinVar's aggregate classification.

Literature cited by the submitters: PubMed 12442288 (cited by Labcorp Genetics (formerly Invitae), Labcorp); PubMed 16185271 (cited by Labcorp Genetics (formerly Invitae), Labcorp); PubMed 8896559 (cited by 5 submitters); PubMed 9562579 (cited by 3 submitters); PubMed 20662851 (cited by 4 submitters); PubMed 16417222 (cited by Mayo Clinic Laboratories, Mayo Clinic); PubMed 20301464 (cited by Mayo Clinic Laboratories, Mayo Clinic); PubMed 31898847 (cited by Mayo Clinic Laboratories, Mayo Clinic); PubMed 33423334 (cited by Mayo Clinic Laboratories, Mayo Clinic); PubMed 9345105 (cited by Ambry Genetics); PubMed 9497254 (cited by Ambry Genetics); NCBI Bookshelf NBK1287 (cited by GeneReviews).